The following is an entry in ClinVar:

ClinVar aggregate classification (germline): Uncertain significance (1 of 4 stars; one submission).

Conditions:
Cystic fibrosis (CF). Also called: MUCOVISCIDOSIS. Identifiers: Orphanet 586, MedGen C0010674, MONDO:0009061, OMIM 219700. Disease mechanism: loss of function.

Submission:

Ambry Genetics
Classification: Uncertain significance for Cystic fibrosis. Last evaluated: 2023-04-30. Review status: criteria provided, single submitter. Criteria: Ambry Variant Classification Scheme 2023. Collection method: clinical testing. Allele origin: germline.
Comment: The p.D1275G variant (also known as c.3824A>G), located in coding exon 23 of the CFTR gene, results from an A to G substitution at nucleotide position 3824. The aspartic acid at codon 1275 is replaced by glycine, an amino acid with similar properties. This amino acid position is conserved. In addition, the in silico prediction for this alteration is inconclusive. Since supporting evidence is limited at this time, the clinical significance of this alteration remains unclear.

NM_000492.4(CFTR):c.3824A>G (p.Asp1275Gly)

Genes: CFTR (CF transmembrane conductance regulator; plus strand), CFTR-AS2 (CFTR antisense RNA 2; minus strand). Cytogenetic location: 7q31.2.
Variant type: single nucleotide variant.
Coding change: c.3824A>G on transcript NM_000492.4 (MANE Select); coding-DNA position 3824, A replaced by G.
Protein change: p.Asp1275Gly; replaces aspartic acid 1275 with glycine.
Molecular consequence: missense variant.
Genome position (GRCh38, 1-based): chr7:117,642,544, A>G. VCF-style: chr7-117642544-A-G. GRCh37 (hg19) VCF-style: chr7-117282598-A-G.
Other names: short protein forms D1275G.
Identifiers: ClinVar variation 2562523 (VCV002562523.2), dbSNP rs2485160052, ClinGen allele CA368975251.
Genomic context (GRCh38, chr7:117,642,544, plus strand): 5'-CAGCTTTTTTGAGACTACTGAACACTGAAGGAGAAATCCAGATCGATGGTGTGTCTTGGG[A>G]TTCAATAACTTTGCAACAGTGGAGGAAAGCCTTTGGAGTGATACCACAGGTGAGCAAAAG-3'
Protein context (NP_000483.3, residues 1265-1285): GEIQIDGVSW[Asp1275Gly]SITLQQWRKA